The following is an entry in ClinVar:

ClinVar aggregate classification (germline): Uncertain significance (1 of 4 stars; one submission).

Submission:

Quest Diagnostics Nichols Institute San Juan Capistrano
Classification: Uncertain significance. Last evaluated: 2023-06-23. Review status: criteria provided, single submitter. Criteria: Quest Diagnostics criteria. Collection method: clinical testing. Allele origin: unknown.
Comment: To the best of our knowledge, this variant has not been reported in the published literature. It also has not been reported in large, multi-ethnic general populations (Genome Aggregation Database). Analysis of this variant using software algorithms for the prediction of the effect of nucleotide changes on splicing yielded predictions that this variant does not affect CDH1 mRNA splicing . Based on the available information, we are unable to determine the clinical significance of this variant.

NM_004360.5(CDH1):c.537A>G (p.Lys179=)

Gene: CDH1 (cadherin 1; plus strand). Cytogenetic location: 16q22.1.
Variant type: single nucleotide variant.
Coding change: c.537A>G on transcript NM_004360.5 (MANE Select); coding-DNA position 537, A replaced by G.
Protein change: p.Lys179=; no amino-acid change (lysine 179 retained).
Molecular consequence: synonymous variant. On other transcripts: 5 prime UTR variant (2).
Genome position (GRCh38, 1-based): chr16:68,808,698, A>G. VCF-style: chr16-68808698-A-G. GRCh37 (hg19) VCF-style: chr16-68842601-A-G.
Other names: c.537A>G, p.Lys179= (NM_001317184.2); c.-1079A>G (NM_001317185.2); c.-1283A>G (NM_001317186.2).
Identifiers: ClinVar variation 2681857 (VCV002681857.1), dbSNP rs2152130051, ClinGen allele CA496392290.